The following is an entry in ClinVar:

ClinVar aggregate classification (germline): Benign/Likely benign. Review status: criteria provided, multiple submitters, no conflicts (2 of 4 stars). 3 submissions from 3 submitters: Benign (1); Likely benign (2). Last evaluated 2025-08-11.

Conditions:
TNF receptor-associated periodic fever syndrome (TRAPS) (FPF). Also called: Autosomal Dominant Familial Periodic Fever; TNF RECEPTOR-ASSOCIATED PERIODIC SYNDROME; TUMOR NECROSIS FACTOR RECEPTOR-ASSOCIATED PERIODIC SYNDROME; TNF receptor 1-associated periodic fever syndrome; TNF Receptor-Associated Periodic Fever Syndrome; FAMILIAL HIBERNIAN FEVER. Identifiers: Orphanet 32960, MedGen C1275126, MONDO:0007727, OMIM 142680.

Allele frequency attached by ClinVar (database versions not stated): ESP Exome Variant Server 0.00054; 1000 Genomes Project 0.00060; 1000 Genomes Project 30x 0.00078; gnomAD exomes 0.00003 and 0.00016; ExAC 0.00018; gnomAD 0.00035 and 0.00037; TOPMed 0.00045.
gnomAD v4.1: 107 of 1,614,190 alleles (0.0066%); highest among the groups gnomAD compares: African/African-American, 0.12%; no homozygotes.

Submissions (3):

Labcorp Genetics (formerly Invitae), Labcorp
Classification: Likely benign for TNF receptor-associated periodic fever syndrome (TRAPS). Last evaluated: 2025-08-11. Review status: criteria provided, single submitter. Criteria: Invitae Variant Classification Sherloc (09022015). Collection method: clinical testing. Allele origin: germline.

CeGaT Center for Human Genetics Tuebingen
Classification: Likely benign. Last evaluated: 2024-07-01. Review status: criteria provided, single submitter. Criteria: CeGaT Center For Human Genetics Tuebingen Variant Classification Criteria Version 2. Collection method: clinical testing. Allele origin: germline. Affected: yes. Observed: 1 variant allele.
Comment: TNFRSF1A: BP4

GeneDx
Classification: Benign. Last evaluated: 2015-03-03. Review status: criteria provided, single submitter. Criteria: GeneDx Variant Classification Process June 2021. Collection method: clinical testing. Allele origin: germline. Affected: yes.

NM_001065.4(TNFRSF1A):c.193+6G>A

Gene: TNFRSF1A (TNF receptor superfamily member 1A; minus strand). Cytogenetic location: 12p13.31.
Variant type: single nucleotide variant.
Coding change: c.193+6G>A on transcript NM_001065.4 (MANE Select); 6 bases into the intron after coding-DNA position 193, G replaced by A.
Molecular consequence: intron variant.
Genome position (GRCh38, 1-based): chr12:6,334,085, C>T on the plus strand (G>A on the coding strand, the complement: TNFRSF1A is on the minus strand). VCF-style: chr12-6334085-C-T. GRCh37 (hg19) VCF-style: chr12-6443251-C-T.
Other names: c.-131-220G>A (NM_001346091.2); c.-385+6G>A (NM_001346092.2).
Identifiers: ClinVar variation 706008 (VCV000706008.28), dbSNP rs147111217, ClinGen allele CA6405600.
Genomic context (GRCh38, chr12:6,334,085, plus strand): 5'-GGAAGAAGCAGAGAAAGAAGCAGCACCCCAGACCTGAGGGCATTCACCGTTTCCACTTGC[C>T]CCTACCTTTGTGGCACTTGGTACAGCAAATCGAATTATTTTGAGGGTGGATATATTTTCC-3'